The following is an entry in ClinVar:

ClinVar aggregate classification (germline): Uncertain significance. Review status: criteria provided, multiple submitters, no conflicts (2 of 4 stars). 2 submissions from 2 submitters: Uncertain significance (2). Last evaluated 2025-10-22.

Conditions:
Inborn genetic diseases. Identifiers: MedGen C0950123, MeSH D030342.
Idiopathic generalized epilepsy. Also called: EIG; Generalised epilepsy. Identifiers: MedGen C0270850, MONDO:0005579, OMIM 600669.

Allele frequency attached by ClinVar (database versions not stated): TOPMed 0.00028; gnomAD exomes 0.00009 and 0.00002; gnomAD 0.00011; ESP Exome Variant Server 0.00008; 1000 Genomes Project 30x 0.00016; ExAC 0.00005.
gnomAD v4.1: 56 of 1,546,736 alleles (0.0036%); highest among the groups gnomAD compares: Admixed American, 0.059%; no homozygotes.

Submissions (2):

Labcorp Genetics (formerly Invitae), Labcorp
Classification: Uncertain significance for Idiopathic generalized epilepsy. Last evaluated: 2025-10-22. Review status: criteria provided, single submitter. Criteria: Invitae Variant Classification Sherloc (09022015). Collection method: clinical testing. Allele origin: germline.
Comment: This sequence change replaces arginine, which is basic and polar, with tryptophan, which is neutral and slightly polar, at codon 244 of the GABRD protein (p.Arg244Trp). This variant is present in population databases (rs150097692, gnomAD 0.04%), and has an allele count higher than expected for a pathogenic variant. This variant has not been reported in the literature in individuals affected with GABRD-related conditions. ClinVar contains an entry for this variant (Variation ID: 582133). An algorithm developed to predict the effect of missense changes on protein structure and function (PolyPhen-2) suggests that this variant is likely to be disruptive. In summary, the available evidence is currently insufficient to determine the role of this variant in disease. Therefore, it has been classified as a Variant of Uncertain Significance.

Ambry Genetics
Classification: Uncertain significance for Inborn genetic diseases. Last evaluated: 2021-07-14. Review status: criteria provided, single submitter. Criteria: Ambry Variant Classification Scheme 2023. Collection method: clinical testing. Allele origin: germline.

NM_000815.5(GABRD):c.730C>T (p.Arg244Trp)

Gene: GABRD (gamma-aminobutyric acid type A receptor subunit delta; plus strand). Cytogenetic location: 1p36.33.
Variant type: single nucleotide variant.
Coding change: c.730C>T on transcript NM_000815.5 (MANE Select); coding-DNA position 730, C replaced by T.
Protein change: p.Arg244Trp; replaces arginine 244 with tryptophan.
Molecular consequence: missense variant.
Genome position (GRCh38, 1-based): chr1:2,029,149, C>T. VCF-style: chr1-2029149-C-T. GRCh37 (hg19) VCF-style: chr1-1960588-C-T.
Other names: short protein forms R244W.
Identifiers: ClinVar variation 582133 (VCV000582133.11), dbSNP rs150097692, ClinGen allele CA534780.